The following is an entry in ClinVar:

NM_001127208.3(TET2):c.4724C>T (p.Pro1575Leu)

Genes: TET2 (tet methylcytosine dioxygenase 2; plus strand), TET2-AS1 (TET2 antisense RNA 1; minus strand). Cytogenetic location: 4q24.
Variant type: single nucleotide variant.
Coding change: c.4724C>T on transcript NM_001127208.3 (MANE Select); coding-DNA position 4724, C replaced by T.
Protein change: p.Pro1575Leu; replaces proline 1575 with leucine.
Molecular consequence: missense variant.
Genome position (GRCh38, 1-based): chr4:105,275,234, C>T. VCF-style: chr4-105275234-C-T. GRCh37 (hg19) VCF-style: chr4-106196391-C-T.
Other names: short protein forms P1575L.
Identifiers: ClinVar variation 3639946 (VCV003639946.1).

ClinVar aggregate classification (germline): Uncertain significance (1 of 4 stars; one submission).

gnomAD v4.1: 86 of 1,552,344 alleles (0.0055%); highest among the groups gnomAD compares: African/African-American, 0.11%; 1 homozygote.

Submission:

Labcorp Genetics (formerly Invitae), Labcorp
Classification: Uncertain significance. Last evaluated: 2024-11-25. Review status: criteria provided, single submitter. Criteria: Invitae Variant Classification Sherloc (09022015). Collection method: clinical testing. Allele origin: germline.
Comment: This sequence change replaces proline, which is neutral and non-polar, with leucine, which is neutral and non-polar, at codon 1575 of the TET2 protein (p.Pro1575Leu). This variant is present in population databases (rs374878611, gnomAD 0.1%). This variant has not been reported in the literature in individuals affected with TET2-related conditions. An algorithm developed to predict the effect of missense changes on protein structure and function outputs the following: PolyPhen-2: "Benign". The leucine amino acid residue is found in multiple mammalian species, which suggests that this missense change does not adversely affect protein function. In summary, the available evidence is currently insufficient to determine the role of this variant in disease. Therefore, it has been classified as a Variant of Uncertain Significance.